The following is an entry in ClinVar:

ClinVar aggregate classification (germline): Likely benign (1 of 4 stars; one submission).

Submission:

CeGaT Center for Human Genetics Tuebingen
Classification: Likely benign. Last evaluated: 2025-08-01. Review status: criteria provided, single submitter. Criteria: CeGaT Center For Human Genetics Tuebingen Variant Classification Criteria Version 2. Collection method: clinical testing. Allele origin: germline. Affected: yes. Observed: 1 variant allele.
Comment: RERE: BP3

NM_001042681.2(RERE):c.3588_3599dup (p.Glu1201_Ala1202insArgGluArgGlu)

Gene: RERE (arginine-glutamic acid dipeptide repeats; minus strand). Cytogenetic location: 1p36.23.
Variant type: Duplication.
Coding change: c.3588_3599dup on transcript NM_001042681.2 (MANE Select); coding-DNA positions 3588 to 3599, 12 bases duplicated (AGAGCGGGAGCG).
Protein change: p.Glu1201_Ala1202insArgGluArgGlu.
Genome position (GRCh38, 1-based): chr1:8,359,783-8,359,794, CGCTCCCGCTCT duplicated on the plus strand (AGAGCGGGAGCG on the coding strand, the reverse complement: RERE is on the minus strand); duplicating any 12 consecutive bases within chr1:8,359,783-8,359,805 gives the same sequence; the c. name uses the placement nearest the transcript's 3' end. VCF-style (leftmost placement, unchanged base first): chr1-8359782-G-GCGCTCCCGCTCT. GRCh37 (hg19) VCF-style: chr1-8419842-G-GCGCTCCCGCTCT.
Other names: c.1926_1937dup, p.Glu647_Ala648insArgGluArgGlu (NM_001042682.2); c.3588_3599dup, p.Glu1201_Ala1202insArgGluArgGlu (NM_012102.4).
Identifiers: ClinVar variation 4084322 (VCV004084322.8).